The following is an entry in ClinVar:

NM_005172.2(ATOH1):c.674C>G (p.Pro225Arg)

Gene: ATOH1 (atonal bHLH transcription factor 1; plus strand). Cytogenetic location: 4q22.2.
Variant type: single nucleotide variant.
Coding change: c.674C>G on transcript NM_005172.2 (MANE Select); coding-DNA position 674, C replaced by G.
Protein change: p.Pro225Arg; replaces proline 225 with arginine.
Molecular consequence: missense variant.
Genome position (GRCh38, 1-based): chr4:93,829,600, C>G. VCF-style: chr4-93829600-C-G. GRCh37 (hg19) VCF-style: chr4-94750751-C-G.
Other names: short protein forms P225R.
Identifiers: ClinVar variation 3036732 (VCV003036732.2), dbSNP rs142870406, ClinGen allele CA3012793.

ClinVar aggregate classification (germline): Likely benign (0 of 4 stars; one submission).

Conditions:
ATOH1-related disorder. Also called: ATOH1-related condition.

Allele frequency attached by ClinVar (database versions not stated): ESP Exome Variant Server 0.00038; 1000 Genomes Project 0.00040; 1000 Genomes Project 30x 0.00047.

Submission:

PreventionGenetics, part of Exact Sciences
Classification: Likely benign for ATOH1-related condition. Last evaluated: 2023-11-08. Review status: no assertion criteria provided. Collection method: clinical testing. Allele origin: germline.
Comment: This variant is classified as likely benign based on ACMG/AMP sequence variant interpretation guidelines (Richards et al. 2015 PMID: 25741868, with internal and published modifications).